The following is an entry in ClinVar:

ClinVar aggregate classification (germline): Uncertain significance (1 of 4 stars; one submission).

Allele frequency attached by ClinVar (database versions not stated): gnomAD 0.00002; TOPMed 0.00003.

Submission:

Labcorp Genetics (formerly Invitae), Labcorp
Classification: Uncertain significance. Last evaluated: 2022-06-13. Review status: criteria provided, single submitter. Criteria: Invitae Variant Classification Sherloc (09022015). Collection method: clinical testing. Allele origin: germline.
Comment: In summary, the available evidence is currently insufficient to determine the role of this variant in disease. Therefore, it has been classified as a Variant of Uncertain Significance. Algorithms developed to predict the effect of missense changes on protein structure and function output the following: SIFT: "Tolerated"; PolyPhen-2: "Possibly Damaging"; Align-GVGD: "Class C0". The glutamic acid amino acid residue is found in multiple mammalian species, which suggests that this missense change does not adversely affect protein function. This variant has not been reported in the literature in individuals affected with DMRT2-related conditions. This variant is not present in population databases (gnomAD no frequency). This sequence change replaces aspartic acid, which is acidic and polar, with glutamic acid, which is acidic and polar, at codon 56 of the DMRT2 protein (p.Asp56Glu).

NM_181872.6(DMRT2):c.168C>G (p.Asp56Glu)

Gene: DMRT2 (doublesex and mab-3 related transcription factor 2; plus strand). Cytogenetic location: 9p24.3.
Variant type: single nucleotide variant.
Coding change: c.168C>G on transcript NM_181872.6 (MANE Select); coding-DNA position 168, C replaced by G.
Protein change: p.Asp56Glu; replaces aspartic acid 56 with glutamic acid.
Molecular consequence: missense variant. On other transcripts: 5 prime UTR variant (1), non-coding transcript variant (1).
Genome position (GRCh38, 1-based): chr9:1,051,781, C>G. VCF-style: chr9-1051781-C-G. GRCh37 (hg19) VCF-style: chr9-1051781-C-G.
Other names: c.168C>G, p.Asp56Glu (NM_001130865.3, NM_001370531.1, NM_001370533.1 and 4 more transcripts); c.-483C>G (NM_001370532.1); short protein forms D56E.
Identifiers: ClinVar variation 2103404 (VCV002103404.4), dbSNP rs781086869, ClinGen allele CA4962302.
Genomic context (GRCh38, chr9:1,051,781, plus strand): 5'-GCCCAGCCCGCCGCCGGCGGACGGGGACTGCGAGGACGACGAAGATGACGACGGGGTGGA[C>G]GAAGACGCGGAAGAAGAGGGCGACGGCGAGGAGGCAGGCGCGTCCCCCGGGATGCCCGGC-3'
Protein context (NP_870987.2, residues 46-66): CEDDEDDDGV[Asp56Glu]EDAEEEGDGE